The following is an entry in ClinVar:

NM_001329.4(CTBP2):c.58+12412T>C

Gene: CTBP2 (C-terminal binding protein 2; minus strand). Cytogenetic location: 10q26.13.
Variant type: single nucleotide variant.
Coding change: c.58+12412T>C on transcript NM_001329.4 (MANE Select); 12412 bases into the intron after coding-DNA position 58, T replaced by C.
Molecular consequence: intron variant. On other transcripts: missense variant (1).
Genome position (GRCh38, 1-based): chr10:125,026,585, A>G on the plus strand (T>C on the coding strand, the complement: CTBP2 is on the minus strand). VCF-style: chr10-125026585-A-G. GRCh37 (hg19) VCF-style: chr10-126715154-A-G.
Other names: c.1175T>C, p.Leu392Pro (NM_022802.3); c.58+12412T>C (NM_001083914.3, NM_001290214.3, NM_001321012.2 and 3 more transcripts); short protein forms L392P.
Identifiers: ClinVar variation 3059406 (VCV003059406.2), dbSNP rs3781412, ClinGen allele CA5736296.

ClinVar aggregate classification (germline): Benign (0 of 4 stars; one submission).

Conditions:
CTBP2-related disorder. Also called: CTBP2-related condition.

Allele frequency attached by ClinVar (database versions not stated): ESP Exome Variant Server 0.27844; 1000 Genomes Project 0.32348; 1000 Genomes Project 30x 0.32948; gnomAD 0.35228; TOPMed 0.36262; ExAC 0.38650.
gnomAD v4.1: 599,994 of 1,561,462 alleles (38%); highest among the groups gnomAD compares: Admixed American, 54%; 118,245 homozygotes.

Submission:

PreventionGenetics, part of Exact Sciences
Classification: Benign for CTBP2-related condition. Last evaluated: 2019-10-17. Review status: no assertion criteria provided. Collection method: clinical testing. Allele origin: germline.
Comment: This variant is classified as benign based on ACMG/AMP sequence variant interpretation guidelines (Richards et al. 2015 PMID: 25741868, with internal and published modifications).